The following is an entry in ClinVar:

NM_002878.4(RAD51D):c.471GGA[3] (p.Glu159_Gln160insGlu)

Genes: RAD51D (RAD51 paralog D; minus strand), RAD51L3-RFFL (RAD51L3-RFFL readthrough; minus strand). Cytogenetic location: 17q12.
Variant type: Microsatellite.
Coding change: c.471GGA[3] on transcript NM_002878.4 (MANE Select); three copies in a row of the 3-base unit GGA starting at c.471; the reference has two copies in a row; one copy, 3 bases duplicated.
Protein change: p.Glu159_Gln160insGlu.
Molecular consequence: inframe insertion. On other transcripts: inframe indel (2), non-coding transcript variant (1), intron variant (1).
Genome position (GRCh38, 1-based): chr17:35,106,992-35,106,994, TCC duplicated on the plus strand (GGA on the coding strand, the reverse complement: RAD51D is on the minus strand); duplicating any 3 consecutive bases within chr17:35,106,992-35,106,999 gives the same sequence; the position shown is the placement nearest the transcript's 3' end. VCF-style (leftmost placement, unchanged base first): chr17-35106991-T-TTCC. GRCh37 (hg19) VCF-style: chr17-33434010-T-TTCC.
Other names: c.531GGA[3], p.Glu179_Gln180insGlu (NM_001142571.2); c.469_471GAG[3], p.Glu159_Gln160insGlu (NM_002878.3); c.145-516GGA[3] (NM_133629.3); c.474_476dupGGA (NM_002878.3).
Identifiers: ClinVar variation 1742768 (VCV001742768.2), dbSNP rs2509137404, ClinGen allele CA2580612606.
Genomic context (GRCh38, chr17:35,106,991, plus strand): 5'-GGATAATGGGGTTTTCCTGTGTCAGAATCTCAATGGAACCCAGCATCCTGCCCTTACCTG[T>TTCC]TCCTCCTCATCCTGGGTTTTAGCCTGAAGCAGCTGGAGGAGGCGGGAAGCTGTCAGCCCT-3'

ClinVar aggregate classification (germline): Uncertain significance (1 of 4 stars; one submission).

Conditions:
Hereditary cancer-predisposing syndrome. Also called: Hereditary Cancer Syndrome; Hereditary neoplastic syndrome; Neoplastic Syndromes, Hereditary; Tumor predisposition. Identifiers: Orphanet 140162, MedGen C0027672, MeSH D009386, MONDO:0015356.

Submission:

Ambry Genetics
Classification: Uncertain significance for Hereditary cancer-predisposing syndrome. Last evaluated: 2022-03-17. Review status: criteria provided, single submitter. Criteria: Ambry Variant Classification Scheme 2023. Collection method: clinical testing. Allele origin: germline.
Comment: The c.474_476dupGGA variant (also known as p.E159dup), located in coding exon 5 of the RAD51D gene, results from an in-frame duplication of GGA at nucleotide positions 474 to 476. This results in the duplication of an extra glutamic acid residue between codons 159 and 160. This amino acid position is not well conserved in available vertebrate species. In addition, the in silico prediction for this alteration is inconclusive (Choi Y et al. PLoS ONE. 2012; 7(10):e46688). Since supporting evidence is limited at this time, the clinical significance of this alteration remains unclear.